The following is an entry in ClinVar:

NM_000037.4(ANK1):c.2872A>G (p.Lys958Glu)

Gene: ANK1 (ankyrin 1; minus strand). Cytogenetic location: 8p11.21.
Variant type: single nucleotide variant.
Coding change: c.2872A>G on transcript NM_000037.4 (MANE Select); coding-DNA position 2872, A replaced by G.
Protein change: p.Lys958Glu; replaces lysine 958 with glutamic acid.
Molecular consequence: missense variant.
Genome position (GRCh38, 1-based): chr8:41,696,451, T>C on the plus strand (A>G on the coding strand, the complement: ANK1 is on the minus strand). VCF-style: chr8-41696451-T-C. GRCh37 (hg19) VCF-style: chr8-41553969-T-C.
Other names: c.2995A>G, p.Lys999Glu (NM_001142446.2); c.2872A>G, p.Lys958Glu (NM_020475.3, NM_020476.3, NM_020477.3); short protein forms K958E, K999E.
Identifiers: ClinVar variation 4685692 (VCV004685692.1).
Genomic context (GRCh38, chr8:41,696,451, plus strand): 5'-GTGCTATGATCCTGCTGGCCAGGCCCTCCTCCTCGGCCAGTGGGGGCGGCGTGCTGAGCT[T>C]CTGGGGCTTGACCAGGCGGCAGGTGATGCGGGTGGGCGCTGCGCACGTCCGTGGCGGGAT-3'
Protein context (NP_000028.3, residues 948-968): RITCRLVKPQ[Lys958Glu]LSTPPPLAEE

ClinVar aggregate classification (germline): Uncertain significance (1 of 4 stars; one submission).

Conditions:
Hereditary spherocytosis type 1. Also called: Spherocytosis type 1; ANK1-Related Spherocytosis. Identifiers: Orphanet 822, MedGen C2674218, MONDO:0008447, OMIM 182900.

gnomAD v4.1: 45 of 1,613,228 alleles (0.0028%); highest among the groups gnomAD compares: Non-Finnish European, 0.0036%; no homozygotes.

Submission:

ARUP Laboratories, Molecular Genetics and Genomics, ARUP Laboratories
Classification: Uncertain significance for Hereditary spherocytosis type 1. Last evaluated: 2025-03-14. Review status: criteria provided, single submitter. Criteria: ARUP Molecular Germline Variant Investigation Process 2024. Collection method: clinical testing. Allele origin: germline.
Comment: The ANK1 c.2872A>G; p.Lys958Glu variant (rs369732815), to our knowledge, is not reported in the medical literature or gene specific databases. This variant is also absent from the Genome Aggregation Database (v2.1.1), indicating it is not a common polymorphism. Computational analyses are uncertain whether this variant is neutral or deleterious (REVEL: 0.38). Due to limited information, the clinical significance of this variant is uncertain at this time.